The following is an entry in ClinVar:

NM_003906.5(MCM3AP):c.4728C>T (p.Val1576=)

Genes: MCM3AP (minichromosome maintenance complex component 3 associated protein; minus strand), MCM3AP-AS1 (MCM3AP antisense RNA 1; plus strand). Cytogenetic location: 21q22.3.
Variant type: single nucleotide variant.
Coding change: c.4728C>T on transcript NM_003906.5 (MANE Select); coding-DNA position 4728, C replaced by T.
Protein change: p.Val1576=; no amino-acid change (valine 1576 retained).
Molecular consequence: synonymous variant.
Genome position (GRCh38, 1-based): chr21:46,245,117, G>A on the plus strand (C>T on the coding strand, the complement: MCM3AP is on the minus strand). VCF-style: chr21-46245117-G-A. GRCh37 (hg19) VCF-style: chr21-47665031-G-A.
Other names: c.4728C>T (NM_003906.4).
Identifiers: ClinVar variation 1397458 (VCV001397458.9), dbSNP rs914126145, ClinGen allele CA321977664.

ClinVar aggregate classification (germline): Likely benign. Review status: criteria provided, multiple submitters, no conflicts (2 of 4 stars). 2 submissions from 2 submitters: Likely benign (2). Last evaluated 2026-08-21.

Conditions:
MCM3AP-related disorder. Also called: MCM3AP-related condition.

Allele frequency attached by ClinVar (database versions not stated): TOPMed below 0.00001; gnomAD 0.00002; gnomAD exomes 0.00002.
gnomAD v4.1: 29 of 1,614,078 alleles (0.0018%); highest among the groups gnomAD compares: Non-Finnish European, 0.0023%; no homozygotes.

Submissions (2):

PreventionGenetics, part of Exact Sciences
Classification: Likely benign for MCM3AP-related condition. Last evaluated: 2026-08-21. Review status: criteria provided, single submitter. Criteria: ACMG Guidelines, 2015. Collection method: clinical testing. Allele origin: germline.
Comment: This variant is classified as likely benign based on ACMG/AMP sequence variant interpretation guidelines (Richards et al. 2015 PMID: 25741868, with internal and published modifications).

Labcorp Genetics (formerly Invitae), Labcorp
Classification: Likely benign. Last evaluated: 2023-07-14. Review status: criteria provided, single submitter. Criteria: Invitae Variant Classification Sherloc (09022015). Collection method: clinical testing. Allele origin: germline.